The following is an entry in ClinVar:

NM_002872.5(RAC2):c.288+3G>C

Gene: RAC2 (Rac family small GTPase 2; minus strand). Cytogenetic location: 22q13.1.
Variant type: single nucleotide variant.
Coding change: c.288+3G>C on transcript NM_002872.5 (MANE Select); 3 bases into the intron after coding-DNA position 288, G replaced by C.
Molecular consequence: intron variant.
Genome position (GRCh38, 1-based): chr22:37,231,929, C>G on the plus strand (G>C on the coding strand, the complement: RAC2 is on the minus strand). VCF-style: chr22-37231929-C-G. GRCh37 (hg19) VCF-style: chr22-37627969-C-G.
Identifiers: ClinVar variation 2721312 (VCV002721312.3), dbSNP rs1221690389, ClinGen allele CA2404246063.

ClinVar aggregate classification (germline): Uncertain significance (1 of 4 stars; one submission).

Conditions:
Neutrophil immunodeficiency syndrome. Also called: Immunodeficiency 73A with defective neutrophil chemotaxis and leukocytosis. Identifiers: Orphanet 183707, MedGen C1842398, MONDO:0011988, OMIM 608203.

Allele frequency attached by ClinVar (database versions not stated): TOPMed 0.00001.

Submission:

Labcorp Genetics (formerly Invitae), Labcorp
Classification: Uncertain significance for Neutrophil immunodeficiency syndrome. Last evaluated: 2022-12-03. Review status: criteria provided, single submitter. Criteria: Invitae Variant Classification Sherloc (09022015). Collection method: clinical testing. Allele origin: germline.
Comment: In summary, the available evidence is currently insufficient to determine the role of this variant in disease. Therefore, it has been classified as a Variant of Uncertain Significance. Variants that disrupt the consensus splice site are a relatively common cause of aberrant splicing (PMID: 17576681, 9536098). Algorithms developed to predict the effect of sequence changes on RNA splicing suggest that this variant is not likely to affect RNA splicing. This variant has not been reported in the literature in individuals affected with RAC2-related conditions. This variant is not present in population databases (gnomAD no frequency). This sequence change falls in intron 4 of the RAC2 gene. It does not directly change the encoded amino acid sequence of the RAC2 protein. It affects a nucleotide within the consensus splice site.

Literature cited by the submitters: PubMed 17576681; PubMed 9536098.